The following is an entry in ClinVar:

NM_001044385.3(TMEM237):c.676A>G (p.Arg226Gly)

Gene: TMEM237 (transmembrane protein 237; minus strand). Cytogenetic location: 2q33.1.
Variant type: single nucleotide variant.
Coding change: c.676A>G on transcript NM_001044385.3 (MANE Select); coding-DNA position 676, A replaced by G.
Protein change: p.Arg226Gly; replaces arginine 226 with glycine.
Molecular consequence: missense variant.
Genome position (GRCh38, 1-based): chr2:201,629,730, T>C on the plus strand (A>G on the coding strand, the complement: TMEM237 is on the minus strand). VCF-style: chr2-201629730-T-C. GRCh37 (hg19) VCF-style: chr2-202494453-T-C.
Other names: c.652A>G, p.Arg218Gly (NM_152388.4); short protein forms R226G, R218G.
Identifiers: ClinVar variation 1491054 (VCV001491054.9), dbSNP rs2105899169, ClinGen allele CA350310049.
Genomic context (GRCh38, chr2:201,629,730, plus strand): 5'-CTTTAATTACAGAACTCAGTTAACATTTATTTTAAGAAAAGTCCAACAAAAGCAGCCACC[T>C]GAAAGCCCGGTGCACTGTAAGTGCCACATCTCTGGTGGTCCAGGAAGGCTTCACGTCCAT-3'
Protein context (NP_001037850.1, residues 216-236): DVALTVHRAF[Arg226Gly]MIGLFSHGFL

ClinVar aggregate classification (germline): Conflicting classifications of pathogenicity. Review status: criteria provided, conflicting classifications (1 of 4 stars). 2 submissions from 2 submitters: Likely pathogenic (1); Uncertain significance (1). Last evaluated 2024-01-23.

Conditions:
Joubert syndrome 14 (JBTS14). Identifiers: MedGen C3280766, MONDO:0013745, OMIM 614424.

Allele frequency attached by ClinVar (database versions not stated): gnomAD exomes 0.00001.
gnomAD v4.1: 7 of 1,591,532 alleles (0.00044%); highest among the groups gnomAD compares: Admixed American, 0.0019%; no homozygotes.

Submissions (2):

Fulgent Genetics
Classification: Uncertain significance for Joubert syndrome 14. Last evaluated: 2024-01-23. Review status: criteria provided, single submitter. Criteria: ACMG Guidelines, 2015. Collection method: clinical testing. Allele origin: germline.

Labcorp Genetics (formerly Invitae), Labcorp
Classification: Likely pathogenic for Joubert syndrome 14. Last evaluated: 2021-04-29. Review status: criteria provided, single submitter. Criteria: Invitae Variant Classification Sherloc (09022015). Collection method: clinical testing. Allele origin: germline.
Comment: In summary, the currently available evidence indicates that the variant is pathogenic, but additional data are needed to prove that conclusively. Therefore, this variant has been classified as Likely Pathogenic. Algorithms developed to predict the effect of sequence changes on RNA splicing suggest that this variant may disrupt the consensus splice site, but this prediction has not been confirmed by published transcriptional studies. Algorithms developed to predict the effect of missense changes on protein structure and function (SIFT, PolyPhen-2, Align-GVGD) all suggest that this variant is likely to be disruptive, but these predictions have not been confirmed by published functional studies and their clinical significance is uncertain. This variant has been observed in individual(s) with clinical features of Joubert syndrome (Invitae). In at least one individual the data is consistent with the variant being in trans (on the opposite chromosome) from a pathogenic variant. This variant is not present in population databases (ExAC no frequency). This sequence change replaces arginine with glycine at codon 226 of the TMEM237 protein (p.Arg226Gly). The arginine residue is highly conserved and there is a moderate physicochemical difference between arginine and glycine.